The following is an entry in ClinVar:

ClinVar aggregate classification (germline): Conflicting classifications of pathogenicity. Review status: criteria provided, conflicting classifications (1 of 4 stars). 3 submissions from 3 submitters: Uncertain significance (1); Likely benign (2). Last evaluated 2026-01-29.

Conditions:
HYPERHOMOCYSTEINEMIA, THROMBOTIC, CBS-RELATED. Identifiers: MedGen C3150344, OMIM 236200.
Familial thoracic aortic aneurysm and aortic dissection (TAAD). Also called: Thoracic aortic aneurysms and dissections. Identifiers: Orphanet 91387, MedGen C4707243, MONDO:0019625.

Allele frequency attached by ClinVar (database versions not stated): gnomAD exomes 0.00001.

Submissions (3):

Labcorp Genetics (formerly Invitae), Labcorp
Classification: Likely benign for HYPERHOMOCYSTEINEMIA, THROMBOTIC, CBS-RELATED. Last evaluated: 2026-01-29. Review status: criteria provided, single submitter. Criteria: Invitae Variant Classification Sherloc (09022015). Collection method: clinical testing. Allele origin: germline.

Ambry Genetics
Classification: Uncertain significance for Familial thoracic aortic aneurysm and aortic dissection. Last evaluated: 2024-10-07. Review status: criteria provided, single submitter. Criteria: Ambry Variant Classification Scheme 2023. Collection method: clinical testing. Allele origin: germline.
Comment: The c.1146-5C>T intronic variant results from a C to T substitution 5 nucleotides upstream from coding exon 11 in the CBS gene. This nucleotide position is not well conserved in available vertebrate species. In silico splice site analysis predicts that this alteration will not have any significant effect on splicing. Based on the available evidence, the clinical significance of this variant remains unclear.

GeneDx
Classification: Likely benign. Last evaluated: 2020-09-14. Review status: criteria provided, single submitter. Criteria: GeneDx Variant Classification Process June 2021. Collection method: clinical testing. Allele origin: germline. Affected: yes.

NM_000071.3(CBS):c.1146-5C>T

Gene: CBS (cystathionine beta-synthase; minus strand). Cytogenetic location: 21q22.3.
Variant type: single nucleotide variant.
Coding change: c.1146-5C>T on transcript NM_000071.3 (MANE Select); 5 bases into the intron before coding-DNA position 1146, C replaced by T.
Molecular consequence: intron variant.
Genome position (GRCh38, 1-based): chr21:43,059,308, G>A on the plus strand (C>T on the coding strand, the complement: CBS is on the minus strand). VCF-style: chr21-43059308-G-A. GRCh37 (hg19) VCF-style: chr21-44479418-G-A.
Other names: c.831-5C>T (NM_001321072.1); c.1146-5C>T (NM_001320298.2, NM_001178009.3, NM_001178008.3).
Identifiers: ClinVar variation 510837 (VCV000510837.13), dbSNP rs941685349, ClinGen allele CA321688613.